The following is an entry in ClinVar:

NM_020778.5(ALPK3):c.1754T>C (p.Ile585Thr)

Gene: ALPK3 (alpha kinase 3; plus strand). Cytogenetic location: 15q25.3.
Variant type: single nucleotide variant.
Coding change: c.1754T>C on transcript NM_020778.5 (MANE Select); coding-DNA position 1754, T replaced by C.
Protein change: p.Ile585Thr; replaces isoleucine 585 with threonine.
Molecular consequence: missense variant.
Genome position (GRCh38, 1-based): chr15:84,856,492, T>C. VCF-style: chr15-84856492-T-C. GRCh37 (hg19) VCF-style: chr15-85399723-T-C.
Other names: c.2360T>C (NM_020778.4); short protein forms I585T.
Identifiers: ClinVar variation 1369269 (VCV001369269.10), dbSNP rs2141567160, ClinGen allele CA393354492.

ClinVar aggregate classification (germline): Uncertain significance. Review status: criteria provided, multiple submitters, no conflicts (2 of 4 stars). 2 submissions from 2 submitters: Uncertain significance (2). Last evaluated 2024-08-29.

Conditions:
Cardiovascular phenotype. Identifiers: MedGen CN230736.

Allele frequency attached by ClinVar (database versions not stated): gnomAD exomes below 0.00001.
gnomAD v4.1: 1 of 1,614,090 alleles (0.000062%); highest among the groups gnomAD compares: Non-Finnish European, 0.000085%; no homozygotes.

Submissions (2):

Labcorp Genetics (formerly Invitae), Labcorp
Classification: Uncertain significance. Last evaluated: 2024-08-29. Review status: criteria provided, single submitter. Criteria: Invitae Variant Classification Sherloc (09022015). Collection method: clinical testing. Allele origin: germline.
Comment: This sequence change replaces isoleucine, which is neutral and non-polar, with threonine, which is neutral and polar, at codon 787 of the ALPK3 protein (p.Ile787Thr). This variant is not present in population databases (gnomAD no frequency). This variant has not been reported in the literature in individuals affected with ALPK3-related conditions. ClinVar contains an entry for this variant (Variation ID: 1369269). An algorithm developed to predict the effect of missense changes on protein structure and function outputs the following: PolyPhen-2: "Benign". The threonine amino acid residue is found in multiple mammalian species, which suggests that this missense change does not adversely affect protein function. In summary, the available evidence is currently insufficient to determine the role of this variant in disease. Therefore, it has been classified as a Variant of Uncertain Significance.

Ambry Genetics
Classification: Uncertain significance for Cardiovascular phenotype. Last evaluated: 2024-08-19. Review status: criteria provided, single submitter. Criteria: Ambry Variant Classification Scheme 2023. Collection method: clinical testing. Allele origin: germline.